The following is an entry in ClinVar:

NM_001365536.1(SCN9A):c.3925-10T>C

Genes: SCN1A-AS1 (SCN1A and SCN9A antisense RNA 1; plus strand), SCN9A (sodium voltage-gated channel alpha subunit 9; minus strand). Cytogenetic location: 2q24.3.
Variant type: single nucleotide variant.
Coding change: c.3925-10T>C on transcript NM_001365536.1 (MANE Select); 10 bases into the intron before coding-DNA position 3925, T replaced by C.
Molecular consequence: intron variant.
Genome position (GRCh38, 1-based): chr2:166,228,982, A>G on the plus strand (T>C on the coding strand, the complement: SCN9A is on the minus strand). VCF-style: chr2-166228982-A-G. GRCh37 (hg19) VCF-style: chr2-167085492-A-G.
Other names: c.3892-10T>C (NM_002977.4).
Identifiers: ClinVar variation 2691503 (VCV002691503.3), dbSNP rs200362672, ClinGen allele CA59810372.
Genomic context (GRCh38, chr2:166,228,982, plus strand): 5'-TAGCACATTCATGATGGAAGGAATTGCTCCTATGAGTGCATTCACAACGACCTAGTATTC[A>G]AAAGAAAGAAAAGCATGATTAGGATTAGTAAGATGTTAAATAGGCAACATGAAAGAAATG-3'

ClinVar aggregate classification (germline): Likely benign. Review status: criteria provided, multiple submitters, no conflicts (2 of 4 stars). 2 submissions from 2 submitters: Likely benign (2). Last evaluated 2024-06-09.

Conditions:
Neuropathy, hereditary sensory and autonomic, type 2A (HSAN2A). Also called: HSAN IIA; WNK1-Related HSAN2 (HSAN2A); MORVAN DISEASE; NEUROPATHY, CONGENITAL SENSORY; NEUROPATHY, HEREDITARY SENSORY RADICULAR, AUTOSOMAL RECESSIVE; NEUROPATHY, HEREDITARY SENSORY, TYPE IIA. Identifiers: Orphanet 970, MedGen C2752089, MONDO:0024309, OMIM 201300.
Generalized epilepsy with febrile seizures plus, type 7 (GEFSP7). Also called: GEFS+, TYPE 7. Identifiers: Orphanet 36387, MedGen C2751778, MONDO:0013470, OMIM 613863.

Allele frequency attached by ClinVar (database versions not stated): gnomAD 0.00002; TOPMed 0.00002.
gnomAD v4.1: 7 of 1,599,892 alleles (0.00044%); highest among the groups gnomAD compares: Admixed American, 0.0017%; no homozygotes.

Submissions (2):

Labcorp Genetics (formerly Invitae), Labcorp
Classification: Likely benign for Neuropathy, hereditary sensory and autonomic, type 2A; Generalized epilepsy with febrile seizures plus, type 7. Last evaluated: 2024-06-09. Review status: criteria provided, single submitter. Criteria: Invitae Variant Classification Sherloc (09022015). Collection method: clinical testing. Allele origin: germline.

Women's Health and Genetics/Laboratory Corporation of America, LabCorp
Classification: Likely benign. Last evaluated: 2023-12-07. Review status: criteria provided, single submitter. Criteria: LabCorp Variant Classification Summary - May 2015. Collection method: clinical testing. Allele origin: germline.
Comment: Variant summary: SCN9A c.3892-10T>C alters a non-conserved nucleotide located at a position not widely known to affect splicing. Consensus agreement among computation tools predict no significant impact on normal splicing. However, these predictions have yet to be confirmed by functional studies. The variant was absent in 245730 control chromosomes. The available data on variant occurrences in the general population are insufficient to allow any conclusion about variant significance. To our knowledge, no occurrence of c.3892-10T>C in individuals affected with Primary Erythromelalgia and no experimental evidence demonstrating its impact on protein function have been reported. No submitters have cited clinical-significance assessments for this variant to ClinVar after 2014. Based on the evidence outlined above, the variant was classified as likely benign.